The following is an entry in ClinVar:

NM_000310.4(PPT1):c.712_713del (p.Pro238fs)

Gene: PPT1 (palmitoyl-protein thioesterase 1; minus strand). Cytogenetic location: 1p34.2.
Variant type: Deletion.
Coding change: c.712_713del on transcript NM_000310.4 (MANE Select); coding-DNA positions 712 to 713, 2 bases deleted (CC; older notation c.712_713delCC).
Protein change: p.Pro238fs; shifts the reading frame from proline 238.
Molecular consequence: frameshift variant.
Genome position (GRCh38, 1-based): chr1:40,078,573-40,078,574, GG deleted on the plus strand (CC on the coding strand, the reverse complement: PPT1 is on the minus strand); deleting any 2 consecutive bases within chr1:40,078,573-40,078,575 gives the same sequence; the c. name uses the placement nearest the transcript's 3' end. VCF-style (leftmost placement, unchanged base first): chr1-40078572-AGG-A. GRCh37 (hg19) VCF-style: chr1-40544244-AGG-A.
Other names: c.403_404del, p.Pro135fs (NM_001142604.2); c.712_713del, p.Pro238fs (NM_001363695.2); short protein forms P135fs, P238fs.
Identifiers: ClinVar variation 1069555 (VCV001069555.9), dbSNP rs2124472229, ClinGen allele CA2499214702.

ClinVar aggregate classification (germline): Pathogenic (1 of 4 stars; one submission).

Conditions:
Neuronal ceroid lipofuscinosis 1 (CLN1). Also called: PPT1-Related Neuronal Ceroid-Lipofuscinosis; CEROID LIPOFUSCINOSIS, NEURONAL, 1, VARIABLE AGE AT ONSET. Identifiers: Orphanet 228329, MedGen C1850451, MONDO:0009744, OMIM 256730.

Submission:

Labcorp Genetics (formerly Invitae), Labcorp
Classification: Pathogenic for Neuronal ceroid lipofuscinosis 1. Last evaluated: 2020-07-10. Review status: criteria provided, single submitter. Criteria: Invitae Variant Classification Sherloc (09022015). Collection method: clinical testing. Allele origin: germline.
Comment: For these reasons, this variant has been classified as Pathogenic. This variant disrupts the C-terminus of the PPT1 protein. Other variant(s) that disrupt this region (p.Asp267Thrfs*5) have been determined to be pathogenic (Invitae). This suggests that variants that disrupt this region of the protein are likely to be causative of disease. This variant has not been reported in the literature in individuals with PPT1-related conditions. This variant is not present in population databases (ExAC no frequency). This sequence change results in a premature translational stop signal in the PPT1 gene (p.Pro238Cysfs*56). While this is not anticipated to result in nonsense mediated decay, it is expected to disrupt the last 69 amino acids of the PPT1 protein.